The following is an entry in ClinVar:

ClinVar aggregate classification (germline): Conflicting classifications of pathogenicity. Review status: criteria provided, conflicting classifications (1 of 4 stars). 2 submissions from 2 submitters: Uncertain significance (1); Likely benign (1). Last evaluated 2026-09-01.

Allele frequency attached by ClinVar (database versions not stated): gnomAD 0.00001; TOPMed 0.00002; ExAC 0.00005.
gnomAD v4.1: 22 of 1,577,458 alleles (0.0014%); highest among the groups gnomAD compares: African/African-American, 0.004%; no homozygotes.

Submissions (2):

CeGaT Center for Human Genetics Tuebingen
Classification: Likely benign. Last evaluated: 2026-09-01. Review status: criteria provided, single submitter. Criteria: CeGaT Center For Human Genetics Tuebingen Variant Classification Criteria Version 2. Collection method: clinical testing. Allele origin: germline. Affected: yes. Observed: 1 variant allele.
Comment: DLL1: BS2

Labcorp Genetics (formerly Invitae), Labcorp
Classification: Uncertain significance. Last evaluated: 2024-05-15. Review status: criteria provided, single submitter. Criteria: Invitae Variant Classification Sherloc (09022015). Collection method: clinical testing. Allele origin: germline.
Comment: This sequence change replaces glycine, which is neutral and non-polar, with serine, which is neutral and polar, at codon 424 of the DLL1 protein (p.Gly424Ser). The frequency data for this variant in the population databases is considered unreliable, as metrics indicate poor data quality at this position in the gnomAD database. This variant has not been reported in the literature in individuals affected with DLL1-related conditions. An algorithm developed to predict the effect of missense changes on protein structure and function (PolyPhen-2) suggests that this variant is likely to be tolerated. In summary, the available evidence is currently insufficient to determine the role of this variant in disease. Therefore, it has been classified as a Variant of Uncertain Significance.

NM_005618.4(DLL1):c.1270G>A (p.Gly424Ser)

Gene: DLL1 (delta like canonical Notch ligand 1; minus strand). Cytogenetic location: 6q27.
Variant type: single nucleotide variant.
Coding change: c.1270G>A on transcript NM_005618.4 (MANE Select); coding-DNA position 1270, G replaced by A.
Protein change: p.Gly424Ser; replaces glycine 424 with serine.
Molecular consequence: missense variant.
Genome position (GRCh38, 1-based): chr6:170,284,009, C>T on the plus strand (G>A on the coding strand, the complement: DLL1 is on the minus strand). VCF-style: chr6-170284009-C-T. GRCh37 (hg19) VCF-style: chr6-170593097-C-T.
Other names: short protein forms G424S.
Identifiers: ClinVar variation 3016728 (VCV003016728.4), dbSNP rs762833797, ClinGen allele CA4106872.